The following is an entry in ClinVar:

ClinVar aggregate classification (germline): Uncertain significance (1 of 4 stars; one submission).

Conditions:
Inborn genetic diseases. Identifiers: MedGen C0950123, MeSH D030342.

Submission:

Ambry Genetics
Classification: Uncertain significance for Inborn genetic diseases. Last evaluated: 2025-01-10. Review status: criteria provided, single submitter. Criteria: Ambry Variant Classification Scheme 2023. Collection method: clinical testing. Allele origin: germline.
Comment: The p.D1164Y variant (also known as c.3490G>T), located in coding exon 16 of the MECOM gene, results from a G to T substitution at nucleotide position 3490. The aspartic acid at codon 1164 is replaced by tyrosine, an amino acid with highly dissimilar properties. This amino acid position is conserved. In addition, this alteration is predicted to be tolerated by in silico analysis. Based on the available evidence, the clinical significance of this variant remains unclear.

NM_004991.4(MECOM):c.3490G>T (p.Asp1164Tyr)

Gene: MECOM (MDS1 and EVI1 complex locus; minus strand). Cytogenetic location: 3q26.2.
Variant type: single nucleotide variant.
Coding change: c.3490G>T on transcript NM_004991.4 (MANE Select); coding-DNA position 3490, G replaced by T.
Protein change: p.Asp1164Tyr; replaces aspartic acid 1164 with tyrosine.
Molecular consequence: missense variant.
Genome position (GRCh38, 1-based): chr3:169,089,095, C>A on the plus strand (G>T on the coding strand, the complement: MECOM is on the minus strand). VCF-style: chr3-169089095-C-A. GRCh37 (hg19) VCF-style: chr3-168806883-C-A.
Other names: c.1927G>T, p.Asp643Tyr (NM_001366474.2); c.2926G>T, p.Asp976Tyr (NM_005241.4, NM_001105078.4, NM_001205194.2 and 1 more transcripts); c.3121G>T, p.Asp1041Tyr (NM_001105077.4); c.2902G>T, p.Asp968Tyr (NM_001163999.2, NM_001366470.2); c.2899G>T, p.Asp967Tyr (NM_001164000.2, NM_001366471.2, NM_001366472.2); c.3463G>T, p.Asp1155Tyr (NM_001366466.2); c.2929G>T, p.Asp977Tyr (NM_001366467.2, NM_001366468.2); c.2491G>T, p.Asp831Tyr (NM_001366473.2); short protein forms D1041Y, D643Y, D976Y, D1155Y, D1164Y, D831Y, D967Y, D968Y.
Identifiers: ClinVar variation 3871693 (VCV003871693.1).